The following is an entry in ClinVar:

NM_020843.4(SCAPER):c.2282T>C (p.Ile761Thr)

Gene: SCAPER (S-phase cyclin A associated protein in the ER; minus strand). Cytogenetic location: 15q24.3.
Variant type: single nucleotide variant.
Coding change: c.2282T>C on transcript NM_020843.4 (MANE Select); coding-DNA position 2282, T replaced by C.
Protein change: p.Ile761Thr; replaces isoleucine 761 with threonine.
Molecular consequence: missense variant. On other transcripts: non-coding transcript variant (1).
Genome position (GRCh38, 1-based): chr15:76,702,968, A>G on the plus strand (T>C on the coding strand, the complement: SCAPER is on the minus strand). VCF-style: chr15-76702968-A-G. GRCh37 (hg19) VCF-style: chr15-76995309-A-G.
Other names: c.1544T>C, p.Ile515Thr (NM_001145923.2); c.2300T>C, p.Ile767Thr (NM_001353009.2); c.1880T>C, p.Ile627Thr (NM_001353010.2, NM_001353012.2); c.1898T>C, p.Ile633Thr (NM_001353011.2); short protein forms I761T, I515T, I633T, I627T, I767T.
Identifiers: ClinVar variation 4999519 (VCV004999519.1).

ClinVar aggregate classification (germline): Uncertain significance (1 of 4 stars; one submission).

Conditions:
SCAPER-related disorder. Also called: SCAPER-related condition.

Submission:

PreventionGenetics, part of Exact Sciences
Classification: Uncertain significance for SCAPER-related condition. Last evaluated: 2025-05-27. Review status: criteria provided, single submitter. Criteria: ACMG Guidelines, 2015. Collection method: clinical testing. Allele origin: germline.
Comment: The SCAPER c.2300T>C variant is predicted to result in the amino acid substitution p.Ile767Thr. To our knowledge, this variant has not been reported in the literature or in a large population database (gnomAD), indicating this variant is rare. At this time, the clinical significance of this variant is uncertain due to the absence of conclusive functional and genetic evidence.